The following is an entry in ClinVar:

ClinVar aggregate classification (germline): Conflicting classifications of pathogenicity. Review status: criteria provided, conflicting classifications (1 of 4 stars). 3 submissions from 3 submitters: Likely pathogenic (1); Uncertain significance (2). Last evaluated 2022-07-05.

Conditions:
Familial thoracic aortic aneurysm and aortic dissection (TAAD). Also called: Thoracic aortic aneurysms and dissections. Identifiers: Orphanet 91387, MedGen C4707243, MONDO:0019625.

Submissions (3):

Labcorp Genetics (formerly Invitae), Labcorp
Classification: Uncertain significance for Familial thoracic aortic aneurysm and aortic dissection. Last evaluated: 2022-07-05. Review status: criteria provided, single submitter. Criteria: Invitae Variant Classification Sherloc (09022015). Collection method: clinical testing. Allele origin: germline.
Comment: This variant is not present in population databases (gnomAD no frequency). This sequence change replaces leucine, which is neutral and non-polar, with arginine, which is basic and polar, at codon 483 of the TGFBR1 protein (p.Leu483Arg). This variant has not been reported in the literature in individuals affected with TGFBR1-related conditions. In summary, the available evidence is currently insufficient to determine the role of this variant in disease. Therefore, it has been classified as a Variant of Uncertain Significance. Advanced modeling of protein sequence and biophysical properties (such as structural, functional, and spatial information, amino acid conservation, physicochemical variation, residue mobility, and thermodynamic stability) performed at Invitae indicates that this missense variant is expected to disrupt TGFBR1 protein function. ClinVar contains an entry for this variant (Variation ID: 1196810).

Ambry Genetics
Classification: Uncertain significance for Familial thoracic aortic aneurysm and aortic dissection. Last evaluated: 2020-12-21. Review status: criteria provided, single submitter. Criteria: Ambry Variant Classification Scheme 2023. Collection method: clinical testing. Allele origin: germline.
Comment: The p.L483R variant (also known as c.1448T>G), located in coding exon 9 of the TGFBR1 gene, results from a T to G substitution at nucleotide position 1448. The leucine at codon 483 is replaced by arginine, an amino acid with dissimilar properties. This amino acid position is highly conserved in available vertebrate species. In addition, this alteration is predicted to be deleterious by in silico analysis. Since supporting evidence is limited at this time, the clinical significance of this alteration remains unclear.

GeneDx
Classification: Likely pathogenic. Last evaluated: 2019-11-21. Review status: criteria provided, single submitter. Criteria: GeneDx Variant Classification Process June 2021. Collection method: clinical testing. Allele origin: germline. Affected: yes.
Comment: Has not been previously published as pathogenic or benign to our knowledge; Not observed in large population cohorts (Lek et al., 2016); In silico analysis, which includes protein predictors and evolutionary conservation, supports a deleterious effect

NM_004612.4(TGFBR1):c.1448T>G (p.Leu483Arg)

Gene: TGFBR1 (transforming growth factor beta receptor 1; plus strand). Cytogenetic location: 9q22.33.
Variant type: single nucleotide variant.
Coding change: c.1448T>G on transcript NM_004612.4 (MANE Select); coding-DNA position 1448, T replaced by G.
Protein change: p.Leu483Arg; replaces leucine 483 with arginine.
Molecular consequence: missense variant.
Genome position (GRCh38, 1-based): chr9:99,149,241, T>G. VCF-style: chr9-99149241-T-G. GRCh37 (hg19) VCF-style: chr9-101911523-T-G.
Other names: c.1217T>G, p.Leu406Arg (NM_001130916.3); c.1460T>G, p.Leu487Arg (NM_001306210.2); short protein forms L406R, L483R, L487R.
Identifiers: ClinVar variation 1196810 (VCV001196810.10), dbSNP rs2118857318, ClinGen allele CA374233691.